The following is an entry in ClinVar:

ClinVar aggregate classification (germline): Uncertain significance. Review status: criteria provided, multiple submitters, no conflicts (2 of 4 stars). 2 submissions from 2 submitters: Uncertain significance (2). Last evaluated 2025-03-29.

Conditions:
Hereditary cancer-predisposing syndrome. Also called: Neoplastic Syndromes, Hereditary; Tumor predisposition; Hereditary Cancer Syndrome; Hereditary neoplastic syndrome. Identifiers: Orphanet 140162, MedGen C0027672, MeSH D009386, MONDO:0015356.
Bloom syndrome (BLM). Also called: Bloom-Torre-Machacek syndrome. Identifiers: Orphanet 125, MedGen C0005859, MONDO:0008876, OMIM 210900.

Allele frequency attached by ClinVar (database versions not stated): gnomAD exomes below 0.00001; TOPMed 0.00001; gnomAD 0.00002.
gnomAD v4.1: 6 of 1,614,028 alleles (0.00037%); highest among the groups gnomAD compares: Non-Finnish European, 0.00051%; no homozygotes.

Submissions (2):

Ambry Genetics
Classification: Uncertain significance for Hereditary cancer-predisposing syndrome. Last evaluated: 2025-03-29. Review status: criteria provided, single submitter. Criteria: Ambry Variant Classification Scheme 2023. Collection method: clinical testing. Allele origin: germline.
Comment: The p.H996Y variant (also known as c.2986C>T), located in coding exon 14 of the BLM gene, results from a C to T substitution at nucleotide position 2986. The histidine at codon 996 is replaced by tyrosine, an amino acid with similar properties. This amino acid position is conserved. In addition, this alteration is predicted to be tolerated by in silico analysis. Since supporting evidence is limited at this time, the clinical significance of this alteration remains unclear.

Labcorp Genetics (formerly Invitae), Labcorp
Classification: Uncertain significance for Bloom syndrome. Last evaluated: 2024-11-20. Review status: criteria provided, single submitter. Criteria: Invitae Variant Classification Sherloc (09022015). Collection method: clinical testing. Allele origin: germline.
Comment: This sequence change replaces histidine, which is basic and polar, with tyrosine, which is neutral and polar, at codon 996 of the BLM protein (p.His996Tyr). This variant is present in population databases (no rsID available, gnomAD 0.0009%). This variant has not been reported in the literature in individuals affected with BLM-related conditions. ClinVar contains an entry for this variant (Variation ID: 1798445). Invitae Evidence Modeling of protein sequence and biophysical properties (such as structural, functional, and spatial information, amino acid conservation, physicochemical variation, residue mobility, and thermodynamic stability) indicates that this missense variant is not expected to disrupt BLM protein function with a negative predictive value of 80%. In summary, the available evidence is currently insufficient to determine the role of this variant in disease. Therefore, it has been classified as a Variant of Uncertain Significance.

NM_000057.4(BLM):c.2986C>T (p.His996Tyr)

Gene: BLM (BLM RecQ like helicase; plus strand). Cytogenetic location: 15q26.1.
Variant type: single nucleotide variant.
Coding change: c.2986C>T on transcript NM_000057.4 (MANE Select); coding-DNA position 2986, C replaced by T.
Protein change: p.His996Tyr; replaces histidine 996 with tyrosine.
Molecular consequence: missense variant.
Genome position (GRCh38, 1-based): chr15:90,790,811, C>T. VCF-style: chr15-90790811-C-T. GRCh37 (hg19) VCF-style: chr15-91334041-C-T.
Other names: c.2986C>T, p.His996Tyr (NM_001287246.2, NM_001287247.2); c.1861C>T, p.His621Tyr (NM_001287248.2); short protein forms H621Y, H996Y.
Identifiers: ClinVar variation 1798445 (VCV001798445.8), dbSNP rs1195271909, ClinGen allele CA393846558.